The following is an entry in ClinVar:

ClinVar aggregate classification (germline): Uncertain significance (1 of 4 stars; one submission).

Submission:

Labcorp Genetics (formerly Invitae), Labcorp
Classification: Uncertain significance. Last evaluated: 2024-07-17. Review status: criteria provided, single submitter. Criteria: Invitae Variant Classification Sherloc (09022015). Collection method: clinical testing. Allele origin: germline.
Comment: This sequence change replaces arginine, which is basic and polar, with proline, which is neutral and non-polar, at codon 229 of the FRMD7 protein (p.Arg229Pro). This variant is not present in population databases (gnomAD no frequency). This missense change has been observed in individual(s) with congenital nystagmus (Invitae). An algorithm developed to predict the effect of missense changes on protein structure and function (PolyPhen-2) suggests that this variant is likely to be disruptive. This variant disrupts the p.Arg229 amino acid residue in FRMD7. Other variant(s) that disrupt this residue have been determined to be pathogenic (PMID: 17962394). This suggests that this residue is clinically significant, and that variants that disrupt this residue are likely to be disease-causing. In summary, the available evidence is currently insufficient to determine the role of this variant in disease. Therefore, it has been classified as a Variant of Uncertain Significance.

Literature cited by the submitters: PubMed 17962394.

NM_194277.3(FRMD7):c.686G>C (p.Arg229Pro)

Gene: FRMD7 (FERM domain containing 7; minus strand). Cytogenetic location: Xq26.2.
Variant type: single nucleotide variant.
Coding change: c.686G>C on transcript NM_194277.3 (MANE Select); coding-DNA position 686, G replaced by C.
Protein change: p.Arg229Pro; replaces arginine 229 with proline.
Molecular consequence: missense variant.
Genome position (GRCh38, 1-based): chrX:132,084,545, C>G on the plus strand (G>C on the coding strand, the complement: FRMD7 is on the minus strand). VCF-style: chrX-132084545-C-G. GRCh37 (hg19) VCF-style: chrX-131218573-C-G.
Other names: c.641G>C, p.Arg214Pro (NM_001306193.2); short protein forms R214P, R229P.
Identifiers: ClinVar variation 3659774 (VCV003659774.2).